The following is an entry in ClinVar:

ClinVar aggregate classification (germline): Likely benign (1 of 4 stars; one submission).

Submission:

CeGaT Center for Human Genetics Tuebingen
Classification: Likely benign. Last evaluated: 2026-01-01. Review status: criteria provided, single submitter. Criteria: CeGaT Center For Human Genetics Tuebingen Variant Classification Criteria Version 2. Collection method: clinical testing. Allele origin: germline. Affected: yes. Observed: 1 variant allele.
Comment: HYDIN: PM2:Supporting, BP4, BP7

NM_001270974.2(HYDIN):c.1269G>A (p.Val423=)

Gene: HYDIN (HYDIN axonemal central pair apparatus protein; minus strand). Cytogenetic location: 16q22.2.
Variant type: single nucleotide variant.
Coding change: c.1269G>A on transcript NM_001270974.2 (MANE Select); coding-DNA position 1269, G replaced by A.
Protein change: p.Val423=; no amino-acid change (valine 423 retained).
Molecular consequence: synonymous variant.
Genome position (GRCh38, 1-based): chr16:71,115,754, C>T on the plus strand (G>A on the coding strand, the complement: HYDIN is on the minus strand). VCF-style: chr16-71115754-C-T. GRCh37 (hg19) VCF-style: chr16-71149657-C-T.
Other names: c.1350G>A, p.Val450= (NM_001198542.1); c.1320G>A, p.Val440= (NM_001198543.1); c.1269G>A, p.Val423= (NM_017558.5).
Identifiers: ClinVar variation 4821448 (VCV004821448.4).
Genomic context (GRCh38, chr16:71,115,754, plus strand): 5'-ACCTAAAATGTCGCAGTAAATGGTCTGTTGATAGAGCTTGGCTTCTAGTGGGTTAAAGTA[C>T]ACGGTGATTTCAGCTGATGAGTTGGGCCAGACATCACCTTCCTGAAAAACATGAAAGAAT-3'
Protein context (NP_001257903.1, residues 413-433): VWPNSSAEIT[Val423=]YFNPLEAKLY